The following is an entry in ClinVar:

NM_000096.4(CP):c.1265A>G (p.Lys422Arg)

Gene: CP (ceruloplasmin; minus strand). Cytogenetic location: 3q25.1.
Variant type: single nucleotide variant.
Coding change: c.1265A>G on transcript NM_000096.4 (MANE Select); coding-DNA position 1265, A replaced by G.
Protein change: p.Lys422Arg; replaces lysine 422 with arginine.
Molecular consequence: missense variant. On other transcripts: non-coding transcript variant (1).
Genome position (GRCh38, 1-based): chr3:149,202,185, T>C on the plus strand (A>G on the coding strand, the complement: CP is on the minus strand). VCF-style: chr3-149202185-T-C. GRCh37 (hg19) VCF-style: chr3-148919972-T-C.
Other names: short protein forms K422R.
Identifiers: ClinVar variation 663749 (VCV000663749.7), dbSNP rs200156117, ClinGen allele CA2661083.

ClinVar aggregate classification (germline): Uncertain significance. Review status: criteria provided, multiple submitters, no conflicts (2 of 4 stars). 2 submissions from 2 submitters: Uncertain significance (2). Last evaluated 2025-04-10.

Conditions:
Inborn genetic diseases. Identifiers: MedGen C0950123, MeSH D030342.
Deficiency of ferroxidase (ACEP). Also called: Deficiency of ceruloplasmin; Aceruloplasminemia; Ceruloplasmin deficiency; Familial apoceruloplasmin deficiency; Hereditary ceruloplasmin deficiency; NEURODEGENERATION WITH BRAIN IRON ACCUMULATION 10. Identifiers: Orphanet 48818, MedGen C0878682, MONDO:0011426, OMIM 604290, HP:0025498.

Allele frequency attached by ClinVar (database versions not stated): gnomAD 0.00007; TOPMed 0.00007; 1000 Genomes Project 0.00020; ExAC 0.00006; gnomAD exomes 0.00003; 1000 Genomes Project 30x 0.00031.
gnomAD v4.1: 57 of 1,614,142 alleles (0.0035%); highest among the groups gnomAD compares: Admixed American, 0.03%; no homozygotes.

Submissions (2):

Ambry Genetics
Classification: Uncertain significance for Inborn genetic diseases. Last evaluated: 2025-04-10. Review status: criteria provided, single submitter. Criteria: Ambry Variant Classification Scheme 2023. Collection method: clinical testing. Allele origin: germline.

Labcorp Genetics (formerly Invitae), Labcorp
Classification: Uncertain significance for Deficiency of ferroxidase. Last evaluated: 2022-10-19. Review status: criteria provided, single submitter. Criteria: Invitae Variant Classification Sherloc (09022015). Collection method: clinical testing. Allele origin: germline.
Comment: This sequence change replaces lysine, which is basic and polar, with arginine, which is basic and polar, at codon 422 of the CP protein (p.Lys422Arg). This variant is present in population databases (rs200156117, gnomAD 0.02%). This variant has not been reported in the literature in individuals affected with CP-related conditions. ClinVar contains an entry for this variant (Variation ID: 663749). Advanced modeling of protein sequence and biophysical properties (such as structural, functional, and spatial information, amino acid conservation, physicochemical variation, residue mobility, and thermodynamic stability) performed at Invitae indicates that this missense variant is expected to disrupt CP protein function. In summary, the available evidence is currently insufficient to determine the role of this variant in disease. Therefore, it has been classified as a Variant of Uncertain Significance.